The following is an entry in ClinVar:

NM_001848.3(COL6A1):c.2419G>A (p.Ala807Thr)

Gene: COL6A1 (collagen type VI alpha 1 chain; plus strand). Cytogenetic location: 21q22.3.
Variant type: single nucleotide variant.
Coding change: c.2419G>A on transcript NM_001848.3 (MANE Select); coding-DNA position 2419, G replaced by A.
Protein change: p.Ala807Thr; replaces alanine 807 with threonine.
Molecular consequence: missense variant.
Genome position (GRCh38, 1-based): chr21:46,002,695, G>A. VCF-style: chr21-46002695-G-A. GRCh37 (hg19) VCF-style: chr21-47422609-G-A.
Other names: short protein forms A807T.
Identifiers: ClinVar variation 838887 (VCV000838887.40), dbSNP rs143925936, ClinGen allele CA10070859.

ClinVar aggregate classification (germline): Conflicting classifications of pathogenicity. Review status: criteria provided, conflicting classifications (1 of 4 stars). 4 submissions from 4 submitters: Uncertain significance (3); Benign (1). Last evaluated 2025-10-09.

Conditions:
Bethlem myopathy 1A. Also called: Bethlem myopathy 1; MYOPATHY, BENIGN CONGENITAL, WITH CONTRACTURES; Bethlem Muscular Dystrophy. Identifiers: Orphanet 610, MedGen CN029274, MONDO:0024530, OMIM 158810.

Allele frequency attached by ClinVar (database versions not stated): gnomAD exomes 0.00001 and 0.00002; ExAC 0.00004; ESP Exome Variant Server 0.00015.
gnomAD v4.1: 23 of 1,613,296 alleles (0.0014%); highest among the groups gnomAD compares: Admixed American, 0.005%; no homozygotes.

Submissions (4):

Labcorp Genetics (formerly Invitae), Labcorp
Classification: Benign for Bethlem myopathy 1A. Last evaluated: 2025-10-09. Review status: criteria provided, single submitter. Criteria: Invitae Variant Classification Sherloc (09022015). Collection method: clinical testing. Allele origin: germline.

CeGaT Center for Human Genetics Tuebingen
Classification: Uncertain significance. Last evaluated: 2023-08-01. Review status: criteria provided, single submitter. Criteria: CeGaT Center For Human Genetics Tuebingen Variant Classification Criteria Version 2. Collection method: clinical testing. Allele origin: germline. Affected: yes. Observed: 1 variant allele.
Comment: COL6A1: PM2, BP4

Mayo Clinic Laboratories, Mayo Clinic
Classification: Uncertain significance. Last evaluated: 2021-02-17. Review status: criteria provided, single submitter. Criteria: ACMG Guidelines, 2015. Collection method: clinical testing. Allele origin: germline. Observed: 1 variant allele.

Revvity Omics, Revvity
Classification: Uncertain significance. Last evaluated: 2020-06-02. Review status: criteria provided, single submitter. Criteria: ACMG Guidelines, 2015. Collection method: clinical testing. Allele origin: germline.